The following is an entry in ClinVar:

ClinVar aggregate classification (germline): Uncertain significance (1 of 4 stars; one submission).

Conditions:
Tuberous sclerosis 2 (TSC2). Identifiers: Orphanet 805, MedGen C1860707, MONDO:0013199, OMIM 613254.

Submission:

Labcorp Genetics (formerly Invitae), Labcorp
Classification: Uncertain significance for Tuberous sclerosis 2. Last evaluated: 2018-03-22. Review status: criteria provided, single submitter. Criteria: Invitae Variant Classification Sherloc (09022015). Collection method: clinical testing. Allele origin: germline.
Comment: In summary, the available evidence is currently insufficient to determine the role of this variant in disease. Therefore, it has been classified as a Variant of Uncertain Significance. Algorithms developed to predict the effect of missense changes on protein structure and function (SIFT, PolyPhen-2, Align-GVGD) all suggest that this variant is likely to be tolerated, but these predictions have not been confirmed by published functional studies and their clinical significance is uncertain. This variant has not been reported in the literature in individuals with TSC2-related disease. This variant is not present in population databases (ExAC no frequency). This sequence change replaces glutamine with glutamic acid at codon 220 of the TSC2 protein (p.Gln220Glu). The glutamine residue is highly conserved and there is a small physicochemical difference between glutamine and glutamic acid.

NM_000548.5(TSC2):c.658C>G (p.Gln220Glu)

Gene: TSC2 (TSC complex subunit 2; plus strand). Cytogenetic location: 16p13.3.
Variant type: single nucleotide variant.
Coding change: c.658C>G on transcript NM_000548.5 (MANE Select); coding-DNA position 658, C replaced by G.
Protein change: p.Gln220Glu; replaces glutamine 220 with glutamic acid.
Molecular consequence: missense variant.
Genome position (GRCh38, 1-based): chr16:2,056,653, C>G. VCF-style: chr16-2056653-C-G. GRCh37 (hg19) VCF-style: chr16-2106654-C-G.
Other names: c.658C>G, p.Gln220Glu (NM_001370405.1, NM_021055.3, NM_001077183.3 and 3 more transcripts); c.547C>G, p.Gln183Glu (NM_001318827.2); c.511C>G, p.Gln171Glu (NM_001318829.2); c.58C>G, p.Gln20Glu (NM_001318831.2); c.691C>G, p.Gln231Glu (NM_001318832.2); short protein forms Q220E, Q183E, Q20E, Q171E, Q231E.
Identifiers: ClinVar variation 565941 (VCV000565941.8), dbSNP rs45517119, ClinGen allele CA394312365.